The following is an entry in ClinVar:

ClinVar aggregate classification (germline): Likely pathogenic (1 of 4 stars; one submission).

Conditions:
Nemaline myopathy 2 (NEM2). Also called: Nemaline myopathy 2, autosomal recessive. Identifiers: MedGen C1850569, MONDO:0009725, OMIM 256030.

Submission:

Natera, Inc.
Classification: Likely pathogenic for Nemaline myopathy type 2. Last evaluated: 2026-01-28. Review status: criteria provided, single submitter. Criteria: Natera Variant Classification Schema (03/2026). Collection method: clinical testing. Allele origin: germline.
Comment: The c.23320del variant in NEB is a frameshift variant predicted to shift the reading frame beginning at codon 7774 and leads to a stop codon 105 codons downstream. This variant is expected to result in nonsense mediated decay, truncation, or a dysfunctional protein product. This variant is rare in the general population with a frequency below the threshold expected for the associated phenotype(s). Given the available evidence, this variant is classified as Likely Pathogenic.

NM_001164508.2(NEB):c.23215del (p.Arg7739fs)

Genes: NEB (nebulin; minus strand), RIF1 (replication timing regulatory factor 1; plus strand). Cytogenetic location: 2q23.3.
Variant type: Deletion.
Coding change: c.23215del on transcript NM_001164508.2 (MANE Select); coding-DNA position 23215, one base deleted (A; older notation c.23215delA).
Protein change: p.Arg7739fs; shifts the reading frame from arginine 7739.
Molecular consequence: frameshift variant.
Genome position (GRCh38, 1-based): chr2:151,513,606, T deleted on the plus strand (A on the coding strand, the reverse complement: NEB is on the minus strand). VCF-style (leftmost placement, unchanged base first): chr2-151513605-CT-C. GRCh37 (hg19) VCF-style: chr2-152370119-CT-C.
Other names: c.23215del, p.Arg7739fs (NM_001164507.2); c.23320delA, p.Arg7774Glyfs (NM_001271208.1); c.23320del, p.Arg7774fs (NM_001271208.2); c.18112del, p.Arg6038fs (NM_004543.5); short protein forms R6038fs, R7739fs, R7774fs.
Identifiers: ClinVar variation 4814760 (VCV004814760.1).